The following is an entry in ClinVar:

ClinVar aggregate classification (germline): Uncertain significance (1 of 4 stars; one submission).

Conditions:
Ulnar-mammary syndrome (UMS). Also called: PALLISTER ULNAR-MAMMARY SYNDROME; Ulnar-mammary syndrome of Pallister; SCHINZEL SYNDROME. Identifiers: Orphanet 3138, MedGen C1866994, MONDO:0008411, OMIM 181450.

Submission:

Diagnostics Services (NGS), CSIR - Centre For Cellular And Molecular Biology
Classification: Uncertain significance for Ulnar-mammary syndrome. Last evaluated: 2022-07-20. Review status: criteria provided, single submitter. Criteria: ACMG Guidelines, 2015. Collection method: clinical testing. Allele origin: unknown. Affected: yes. Observed: 2 variant alleles, 1 heterozygote.
Comment: The c.1594T>A variant is not present in publicly available population databases like 1000 Genomes, EVS, ExAC, gnomAD and Indian Exome Database. The variant is not present in our in-house exome database. The variant was not previously reported to ClinVar, HGMD and/or OMIM databases, in any affected individuals. In-silico pathogenicity prediction programs like SIFT, PolyPhen-2, MutationTaster2, CADD etc. predicted this variant to be likely deleterious, however these predictions were not confirmed by any published functional studies.

NM_005996.4(TBX3):c.1534T>A (p.Ser512Thr)

Gene: TBX3 (T-box transcription factor 3; minus strand). Cytogenetic location: 12q24.21.
Variant type: single nucleotide variant.
Coding change: c.1534T>A on transcript NM_005996.4 (MANE Select); coding-DNA position 1534, T replaced by A.
Protein change: p.Ser512Thr; replaces serine 512 with threonine.
Molecular consequence: missense variant.
Genome position (GRCh38, 1-based): chr12:114,674,341, A>T on the plus strand (T>A on the coding strand, the complement: TBX3 is on the minus strand). VCF-style: chr12-114674341-A-T. GRCh37 (hg19) VCF-style: chr12-115112146-A-T.
Other names: c.1594T>A, p.Ser532Thr (NM_016569.4); short protein forms S512T, S532T.
Identifiers: ClinVar variation 1802197 (VCV001802197.3), dbSNP rs2499786674, ClinGen allele CA386868734.
Genomic context (GRCh38, chr12:114,674,341, plus strand): 5'-CGGTGGAGGCCCCAGAAACCGTGGCCAGGAGGGGACCCATGCCAGCGGCCGCCATGCTGG[A>T]GAAGGCGCCCCCCATGGCAAACTGGCTGGGGTGCAGGAAGAGCGGGTGCCCGTTGAAGAA-3'
Protein context (NP_005987.3, residues 502-522): PSQFAMGGAF[Ser512Thr]SMAAAGMGPL